The following is an entry in ClinVar:

NM_012282.4(KCNE5):c.329C>A (p.Thr110Asn)

Gene: KCNE5 (potassium voltage-gated channel subfamily E regulatory subunit 5; minus strand). Cytogenetic location: Xq23.
Variant type: single nucleotide variant.
Coding change: c.329C>A on transcript NM_012282.4 (MANE Select); coding-DNA position 329, C replaced by A.
Protein change: p.Thr110Asn; replaces threonine 110 with asparagine.
Molecular consequence: missense variant.
Genome position (GRCh38, 1-based): chrX:109,624,692, G>T on the plus strand (C>A on the coding strand, the complement: KCNE5 is on the minus strand). VCF-style: chrX-109624692-G-T. GRCh37 (hg19) VCF-style: chrX-108867921-G-T.
Other names: short protein forms T110N.
Identifiers: ClinVar variation 1358440 (VCV001358440.8), dbSNP rs2147333805, ClinGen allele CA414213112.

ClinVar aggregate classification (germline): Uncertain significance (1 of 4 stars; one submission).

Conditions:
Brugada syndrome. Also called: Sudden unexpected nocturnal death syndrome; Sudden unexplained nocturnal death syndrome; Sudden Unexplained Death Syndrome; Sudden Unexplained Nocturnal Death Syndrome (SUNDS). Identifiers: Orphanet 130, MedGen C1142166, MONDO:0015263.

Submission:

Labcorp Genetics (formerly Invitae), Labcorp
Classification: Uncertain significance for Brugada syndrome. Last evaluated: 2021-01-31. Review status: criteria provided, single submitter. Criteria: Invitae Variant Classification Sherloc (09022015). Collection method: clinical testing. Allele origin: germline.
Comment: In summary, the available evidence is currently insufficient to determine the role of this variant in disease. Therefore, it has been classified as a Variant of Uncertain Significance. Algorithms developed to predict the effect of missense changes on protein structure and function are either unavailable or do not agree on the potential impact of this missense change (SIFT: "Deleterious"; PolyPhen-2: "Benign"; Align-GVGD: "Class C0"). This variant has not been reported in the literature in individuals with KCNE5-related conditions. The frequency data for this variant in the population databases is considered unreliable, as metrics indicate insufficient coverage at this position in the ExAC database. This sequence change replaces threonine with asparagine at codon 110 of the KCNE5 protein (p.Thr110Asn). The threonine residue is weakly conserved and there is a small physicochemical difference between threonine and asparagine.